The following is an entry in ClinVar:

ClinVar aggregate classification (germline): Likely benign. Review status: criteria provided, multiple submitters, no conflicts (2 of 4 stars). 3 submissions from 3 submitters: Likely benign (3). Last evaluated 2025-12-14.

Conditions:
Dilated cardiomyopathy 1G (CMD1G). Identifiers: Orphanet 154, MedGen C1858763, MONDO:0011400, OMIM 604145.
Autosomal recessive limb-girdle muscular dystrophy type 2J (LGMDR10). Also called: MUSCULAR DYSTROPHY, LIMB-GIRDLE, AUTOSOMAL RECESSIVE 10; Limb-girdle muscular dystrophy, type 2J. Identifiers: Orphanet 140922, MedGen C1837342, MONDO:0012127, OMIM 608807.
Cardiovascular phenotype. Identifiers: MedGen CN230736.

Allele frequency attached by ClinVar (database versions not stated): TOPMed below 0.00001; gnomAD exomes 0.00002.
gnomAD v4.1: 22 of 1,613,474 alleles (0.0014%); highest among the groups gnomAD compares: East Asian, 0.045%; no homozygotes.

Submissions (3):

Labcorp Genetics (formerly Invitae), Labcorp
Classification: Likely benign for Dilated cardiomyopathy 1G; Autosomal recessive limb-girdle muscular dystrophy type 2J. Last evaluated: 2025-12-14. Review status: criteria provided, single submitter. Criteria: Invitae Variant Classification Sherloc (09022015). Collection method: clinical testing. Allele origin: germline.

Ambry Genetics
Classification: Likely benign for Cardiovascular phenotype. Last evaluated: 2025-05-15. Review status: criteria provided, single submitter. Criteria: Ambry Variant Classification Scheme 2023. Collection method: clinical testing. Allele origin: germline.

GeneDx
Classification: Likely benign. Last evaluated: 2016-11-23. Review status: criteria provided, single submitter. Criteria: GeneDx Variant Classification (06012015). Collection method: clinical testing. Allele origin: germline. Affected: yes.
Comment: This variant is considered likely benign or benign based on one or more of the following criteria: it is a conservative change, it occurs at a poorly conserved position in the protein, it is predicted to be benign by multiple in silico algorithms, and/or has population frequency not consistent with disease.

NM_001267550.2(TTN):c.76017T>C (p.Tyr25339=)

Genes: TTN-AS1 (TTN antisense RNA 1; plus strand), TTN (titin; minus strand). Cytogenetic location: 2q31.2.
Variant type: single nucleotide variant.
Coding change: c.76017T>C on transcript NM_001267550.2 (MANE Select); coding-DNA position 76017, T replaced by C.
Protein change: p.Tyr25339=; no amino-acid change (tyrosine 25339 retained).
Molecular consequence: synonymous variant.
Genome position (GRCh38, 1-based): chr2:178,570,115, A>G on the plus strand (T>C on the coding strand, the complement: TTN is on the minus strand). VCF-style: chr2-178570115-A-G. GRCh37 (hg19) VCF-style: chr2-179434842-A-G.
Other names: c.71094T>C, p.Tyr23698= (NM_001256850.1); c.48822T>C, p.Tyr16274= (NM_003319.4); c.68313T>C, p.Tyr22771= (NM_133378.4); c.49197T>C, p.Tyr16399= (NM_133432.3); c.49398T>C, p.Tyr16466= (NM_133437.4).
Identifiers: ClinVar variation 390974 (VCV000390974.10), dbSNP rs1057523937, ClinGen allele CA16604121.
Genomic context (GRCh38, chr2:178,570,115, plus strand): 5'-AATCAGACGCTTATGGCATCTTGTCCATCTAATGCCTTCTTTATCCCGTTTCTCAAGAAC[A>G]TATCCAAGAATTTCACTACCACCATCAGATGCTGGTCTTTCCCATACAACAATCATTGAG-3'
Protein context (NP_001254479.2, residues 25329-25349): ASDGGSEILG[Tyr25339=]VLEKRDKEGI